The following is an entry in ClinVar:

ClinVar aggregate classification (germline): Uncertain significance (1 of 4 stars; one submission).

Submission:

GeneDx
Classification: Uncertain significance. Last evaluated: 2017-07-07. Review status: criteria provided, single submitter. Criteria: GeneDx Variant Classification (06012015). Collection method: clinical testing. Allele origin: germline. Affected: yes.
Comment: A variant of uncertain significance has been identified in the FKTN gene. The c.82_84delTAC variant has not been published as a pathogenic variant, nor has it been reported as a benign variant to our knowledge. The c.82_84delTAC variant is not observed in large population cohorts (Lek et al., 2016). The c.82_84delTAC variant results in an in-frame deletion of a single tyrosine (Y) residue, denoted p.Y28del. This variant occurs at a position that is conserved in mammals. However, in-frame deletions and duplications have not been reported at nearby residues in the Human Gene Mutation Database in association with FKTN-related disorders (Stenson et al., 2014).

NM_001079802.2(FKTN):c.76TAC[2] (p.Tyr28del)

Gene: FKTN (fukutin; plus strand). Cytogenetic location: 9q31.2.
Variant type: Microsatellite.
Coding change: c.76TAC[2] on transcript NM_001079802.2 (MANE Select); two copies in a row of the 3-base unit TAC starting at c.76; the reference has three copies in a row; one copy, 3 bases deleted.
Protein change: p.Tyr28del; deletes tyrosine 28.
Molecular consequence: inframe deletion. On other transcripts: 5 prime UTR variant (5), non-coding transcript variant (2).
Genome position (GRCh38, 1-based): chr9:105,575,114-105,575,116, TAC deleted; deleting any 3 consecutive bases within chr9:105,575,108-105,575,116 gives the same sequence; the position shown is the placement nearest the transcript's 3' end. VCF-style (leftmost placement, unchanged base first): chr9-105575107-GTAC-G. GRCh37 (hg19) VCF-style: chr9-108337388-GTAC-G.
Other names: c.82_84delTAC (NM_001079802.1); c.76TAC[2], p.Tyr28del (NM_001198963.2, NM_001351496.2, NM_001351498.2 and 1 more transcripts); c.-92TAC[2] (NM_001351497.2); c.-439TAC[2] (NM_001351499.2, NM_001351500.2, NM_001351501.2 and 1 more transcripts); short protein forms Y28del.
Identifiers: ClinVar variation 450313 (VCV000450313.2), dbSNP rs1554731028, ClinGen allele CA658657894.
Genomic context (GRCh38, chr9:105,575,107, plus strand): 5'-TAAGAACGTGGTTTTGGCCCTTTTAACGCTGACAAGTTCTGCATTTCTGCTGTTTCAGTT[GTAC>G]TACTACAAGCACTATTTATCAACAAAGGTAATTTTATTCCTTCTTTCTTATCATTCCTCC-3'